The following is an entry in ClinVar:

ClinVar aggregate classification (germline): Uncertain significance (1 of 4 stars; one submission).

Submission:

GeneDx
Classification: Uncertain significance. Last evaluated: 2026-08-17. Review status: criteria provided, single submitter. Criteria: GeneDx Variant Classification Process June 2021. Collection method: clinical testing. Allele origin: germline.
Comment: Not observed at significant frequency in large population cohorts (gnomAD); Frameshift variant predicted to result in abnormal protein length as the last 96 amino acids are replaced with 106 different amino acids with an unclear effect on protein function; Has not been previously published as pathogenic or benign to our knowledge

NM_004793.4(LONP1):c.2590_2615del (p.Leu864fs)

Gene: LONP1 (lon peptidase 1, mitochondrial; minus strand). Cytogenetic location: 19p13.3.
Variant type: Deletion.
Coding change: c.2590_2615del on transcript NM_004793.4 (MANE Select); coding-DNA positions 2590 to 2615, 26 bases deleted (CTGCTGTCCCTGGCCATGGGCAGGCC).
Protein change: p.Leu864fs; shifts the reading frame from leucine 864.
Molecular consequence: frameshift variant. On other transcripts: non-coding transcript variant (1).
Genome position (GRCh38, 1-based): chr19:5,693,386-5,693,411, GGCCTGCCCATGGCCAGGGACAGCAG deleted on the plus strand (CTGCTGTCCCTGGCCATGGGCAGGCC on the coding strand, the reverse complement: LONP1 is on the minus strand); deleting any 26 consecutive bases within chr19:5,693,386-5,693,415 gives the same sequence; the c. name uses the placement nearest the transcript's 3' end. VCF-style (leftmost placement, unchanged base first): chr19-5693385-AGGCCTGCCCATGGCCAGGGACAGCAG-A. GRCh37 (hg19) VCF-style: chr19-5693396-AGGCCTGCCCATGGCCAGGGACAGCAG-A.
Other names: c.2398_2423del, p.Leu800fs (NM_001276479.2); c.2002_2027del, p.Leu668fs (NM_001276480.1); c.2590_2615del (NM_004793.3); c.2590_2615del26 (NM_004793.3); short protein forms L668fs, L800fs, L864fs.
Identifiers: ClinVar variation 504444 (VCV000504444.3), dbSNP rs1555708276, ClinGen allele CA658799108.